The following is an entry in ClinVar:

ClinVar aggregate classification (germline): Benign/Likely benign. Review status: criteria provided, multiple submitters, no conflicts (2 of 4 stars). 5 submissions from 5 submitters: Benign (3); Likely benign (1). 1 of the submissions does not count toward it. Last evaluated 2026-02-02.

Conditions:
Neuronal ceroid lipofuscinosis. Also called: Neuronal Ceroid Lipofuscinoses. Identifiers: Orphanet 216, Orphanet 79263, MedGen C0027877, MONDO:0016295. Disease mechanism: loss of function.
Neuronal ceroid lipofuscinosis 3 (CLN3). Identifiers: Orphanet 228346, MedGen C0751383, MONDO:0008767, OMIM 204200.

Allele frequency attached by ClinVar (database versions not stated): 1000 Genomes Project 0.00020; gnomAD 0.00022 and 0.00023; gnomAD exomes 0.00027 and 0.00152; 1000 Genomes Project 30x 0.00031; TOPMed 0.00073; ExAC 0.00280.
gnomAD v4.1: 410 of 1,579,510 alleles (0.026%); highest among the groups gnomAD compares: Admixed American, 0.71%; 4 homozygotes.

Submissions (5):

Labcorp Genetics (formerly Invitae), Labcorp
Classification: Benign for Neuronal ceroid lipofuscinosis. Last evaluated: 2026-02-02. Review status: criteria provided, single submitter. Criteria: Invitae Variant Classification Sherloc (09022015). Collection method: clinical testing. Allele origin: germline.

ARUP Laboratories, Molecular Genetics and Genomics, ARUP Laboratories
Classification: Benign for Neuronal ceroid lipofuscinosis 3. Last evaluated: 2025-04-23. Review status: criteria provided, single submitter. Criteria: ARUP Molecular Germline Variant Investigation Process 2024. Collection method: clinical testing. Allele origin: germline.

Blueprint Genetics
Classification: Likely benign. Last evaluated: 2024-09-20. Review status: criteria provided, single submitter. Criteria: ACMG Guidelines, 2015. Collection method: clinical testing. Allele origin: germline.

GeneDx
Classification: Benign. Last evaluated: 2014-04-08. Review status: criteria provided, single submitter. Criteria: GeneDx Variant Classification (06012015). Collection method: clinical testing. Allele origin: germline. Affected: yes.
Comment: This variant is considered likely benign or benign based on one or more of the following criteria: it is a conservative change, it occurs at a poorly conserved position in the protein, it is predicted to be benign by multiple in silico algorithms, and/or has population frequency not consistent with disease.

Natera, Inc.
Classification: Benign for Neuronal ceroid lipofuscinosis. Last evaluated: 2020-09-16. Review status: no assertion criteria provided. Collection method: clinical testing. Allele origin: germline. Not counted in ClinVar's aggregate classification.

NM_001042432.2(CLN3):c.790+16C>A

Gene: CLN3 (CLN3 lysosomal/endosomal transmembrane protein, battenin; minus strand). Cytogenetic location: 16p12.1.
Variant type: single nucleotide variant.
Coding change: c.790+16C>A on transcript NM_001042432.2 (MANE Select); 16 bases into the intron after coding-DNA position 790, C replaced by A.
Molecular consequence: intron variant.
Genome position (GRCh38, 1-based): chr16:28,483,990, G>T on the plus strand (C>A on the coding strand, the complement: CLN3 is on the minus strand). VCF-style: chr16-28483990-G-T. GRCh37 (hg19) VCF-style: chr16-28495311-G-T.
Other names: c.556+16C>A (NM_001286109.2); c.718+16C>A (NM_001286104.2); c.490+16C>A (NM_001286105.2); c.628+16C>A (NM_001286110.2); c.790+16C>A (NM_000086.2).
Identifiers: ClinVar variation 136791 (VCV000136791.13), dbSNP rs200731769, ClinGen allele CA290136.